The following is an entry in ClinVar:

ClinVar aggregate classification (germline): Likely benign. Review status: criteria provided, single submitter (1 of 4 stars). 2 submissions from 2 submitters: Likely benign (1). 1 of the submissions does not count toward it. Last evaluated 2024-11-01.

Conditions:
MYH10-related disorder. Also called: MYH10-related condition.

Allele frequency attached by ClinVar (database versions not stated): ExAC 0.00101; 1000 Genomes Project 30x 0.00390; gnomAD 0.00290; 1000 Genomes Project 0.00399; gnomAD exomes 0.00030; ESP Exome Variant Server 0.00331; TOPMed 0.00303.
gnomAD v4.1: 881 of 1,613,974 alleles (0.055%); highest among the groups gnomAD compares: African/African-American, 1.1%; 2 homozygotes.

Submissions (2):

Blueprint Genetics
Classification: Likely benign. Last evaluated: 2024-11-01. Review status: criteria provided, single submitter. Criteria: ACMG Guidelines, 2015. Collection method: clinical testing. Allele origin: germline.

PreventionGenetics, part of Exact Sciences
Classification: Benign for MYH10-related condition. Last evaluated: 2019-07-10. Review status: no assertion criteria provided. Collection method: clinical testing. Allele origin: germline. Not counted in ClinVar's aggregate classification.
Comment: This variant is classified as benign based on ACMG/AMP sequence variant interpretation guidelines (Richards et al. 2015 PMID: 25741868, with internal and published modifications).

NM_001256012.3(MYH10):c.1053A>C (p.Glu351Asp)

Gene: MYH10 (myosin heavy chain 10; minus strand). Cytogenetic location: 17p13.1.
Variant type: single nucleotide variant.
Coding change: c.1053A>C on transcript NM_001256012.3 (MANE Select); coding-DNA position 1053, A replaced by C.
Protein change: p.Glu351Asp; replaces glutamic acid 351 with aspartic acid.
Molecular consequence: missense variant.
Genome position (GRCh38, 1-based): chr17:8,548,654, T>G on the plus strand (A>C on the coding strand, the complement: MYH10 is on the minus strand). VCF-style: chr17-8548654-T-G. GRCh37 (hg19) VCF-style: chr17-8451972-T-G.
Other names: c.1050A>C, p.Glu350Asp (NM_001256095.2); c.1053A>C, p.Glu351Asp (NM_001375266.1); c.1023A>C, p.Glu341Asp (NM_005964.5); short protein forms E341D, E350D, E351D.
Identifiers: ClinVar variation 3050394 (VCV003050394.3), dbSNP rs115599230, ClinGen allele CA8377990.